The following is an entry in ClinVar:

NM_001378454.1(ALMS1):c.3582_3583del (p.Lys1197fs)

Gene: ALMS1 (ALMS1 centrosome and basal body associated protein; plus strand). Cytogenetic location: 2p13.1.
Variant type: Deletion.
Coding change: c.3582_3583del on transcript NM_001378454.1 (MANE Select); coding-DNA positions 3582 to 3583, 2 bases deleted (AA; older notation c.3582_3583delAA).
Protein change: p.Lys1197fs; shifts the reading frame from lysine 1197.
Molecular consequence: frameshift variant.
Genome position (GRCh38, 1-based): chr2:73,450,109-73,450,110, AA deleted; deleting any 2 consecutive bases within chr2:73,450,108-73,450,110 gives the same sequence; the c. name uses the placement nearest the transcript's 3' end. VCF-style (leftmost placement, unchanged base first): chr2-73450107-CAA-C. GRCh37 (hg19) VCF-style: chr2-73677234-CAA-C.
Other names: c.3585_3586del, p.Lys1198fs (NM_015120.4); short protein forms K1197fs, K1198fs.
Identifiers: ClinVar variation 3696780 (VCV003696780.2).

ClinVar aggregate classification (germline): Pathogenic (1 of 4 stars; one submission).

Conditions:
Alstrom syndrome (ALMS). Identifiers: Orphanet 64, MedGen C0268425, MONDO:0008763, OMIM 203800.

Submission:

Labcorp Genetics (formerly Invitae), Labcorp
Classification: Pathogenic for Alstrom syndrome. Last evaluated: 2024-04-25. Review status: criteria provided, single submitter. Criteria: Invitae Variant Classification Sherloc (09022015). Collection method: clinical testing. Allele origin: germline.
Comment: This sequence change creates a premature translational stop signal (p.Lys1198Thrfs*12) in the ALMS1 gene. It is expected to result in an absent or disrupted protein product. Loss-of-function variants in ALMS1 are known to be pathogenic (PMID: 17594715). This variant is present in population databases (no rsID available, gnomAD 0.003%). This premature translational stop signal has been observed in individual(s) with Alström syndrome (PMID: 35211159). For these reasons, this variant has been classified as Pathogenic.

Literature cited by the submitters: PubMed 17594715; PubMed 35211159.